The following is an entry in ClinVar:

NM_007325.5(GRIA3):c.268+16764C>T

Gene: GRIA3 (glutamate ionotropic receptor AMPA type subunit 3; plus strand). Cytogenetic location: Xq25.
Variant type: single nucleotide variant.
Coding change: c.268+16764C>T on transcript NM_007325.5 (MANE Select); 16764 bases into the intron after coding-DNA position 268, C replaced by T.
Molecular consequence: intron variant. On other transcripts: synonymous variant (1).
Genome position (GRCh38, 1-based): chrX:123,202,754, C>T. VCF-style: chrX-123202754-C-T. GRCh37 (hg19) VCF-style: chrX-122336605-C-T.
Other names: c.387C>T, p.Ala129= (NM_001256743.2); c.268+16764C>T (NM_000828.5).
Identifiers: ClinVar variation 4985911 (VCV004985911.1).

ClinVar aggregate classification (germline): Likely benign (1 of 4 stars; one submission).

Conditions:
GRIA3-related disorder. Also called: GRIA3-related condition.

Submission:

PreventionGenetics, part of Exact Sciences
Classification: Likely benign for GRIA3-related condition. Last evaluated: 2026-08-04. Review status: criteria provided, single submitter. Criteria: ACMG Guidelines, 2015. Collection method: clinical testing. Allele origin: germline.
Comment: This variant is classified as likely benign based on ACMG/AMP sequence variant interpretation guidelines (Richards et al. 2015 PMID: 25741868, with internal and published modifications).